The following is an entry in ClinVar:

NM_003038.5(SLC1A4):c.1182G>A (p.Ala394=)

Gene: SLC1A4 (solute carrier family 1 member 4; plus strand). Cytogenetic location: 2p14.
Variant type: single nucleotide variant.
Coding change: c.1182G>A on transcript NM_003038.5 (MANE Select); coding-DNA position 1182, G replaced by A.
Protein change: p.Ala394=; no amino-acid change (alanine 394 retained).
Molecular consequence: synonymous variant.
Genome position (GRCh38, 1-based): chr2:65,018,218, G>A. VCF-style: chr2-65018218-G-A. GRCh37 (hg19) VCF-style: chr2-65245352-G-A.
Other names: c.288G>A, p.Ala96= (NM_001193493.2); c.522G>A, p.Ala174= (NM_001348406.2, NM_001348407.2).
Identifiers: ClinVar variation 444500 (VCV000444500.54), dbSNP rs34416635, ClinGen allele CA1686092.

ClinVar aggregate classification (germline): Benign/Likely benign. Review status: criteria provided, multiple submitters, no conflicts (2 of 4 stars). 3 submissions from 3 submitters: Benign (1); Likely benign (2). Last evaluated 2026-09-01.

Allele frequency attached by ClinVar (database versions not stated): 1000 Genomes Project 0.00180; 1000 Genomes Project 30x 0.00219; ESP Exome Variant Server 0.00246; TOPMed 0.00249; gnomAD 0.00271 and 0.00290; gnomAD exomes 0.00278 and 0.00410; ExAC 0.00284.
gnomAD v4.1: 6,429 of 1,614,056 alleles (0.4%); highest among the groups gnomAD compares: South Asian, 0.67%; 23 homozygotes.

Submissions (3):

CeGaT Center for Human Genetics Tuebingen
Classification: Likely benign. Last evaluated: 2026-09-01. Review status: criteria provided, single submitter. Criteria: CeGaT Center For Human Genetics Tuebingen Variant Classification Criteria Version 2. Collection method: clinical testing. Allele origin: germline. Affected: yes. Observed: 9 variant alleles.
Comment: SLC1A4: BP4, BP7, BS2

Labcorp Genetics (formerly Invitae), Labcorp
Classification: Benign. Last evaluated: 2026-01-27. Review status: criteria provided, single submitter. Criteria: Invitae Variant Classification Sherloc (09022015). Collection method: clinical testing. Allele origin: germline.

Blueprint Genetics
Classification: Likely benign. Last evaluated: 2024-11-25. Review status: criteria provided, single submitter. Criteria: ACMG Guidelines, 2015. Collection method: clinical testing. Allele origin: germline.